The following is an entry in ClinVar:

NM_002691.4(POLD1):c.2464G>A (p.Asp822Asn)

Gene: POLD1 (DNA polymerase delta 1, catalytic subunit; plus strand). Cytogenetic location: 19q13.33.
Variant type: single nucleotide variant.
Coding change: c.2464G>A on transcript NM_002691.4 (MANE Select); coding-DNA position 2464, G replaced by A.
Protein change: p.Asp822Asn; replaces aspartic acid 822 with asparagine.
Molecular consequence: missense variant. On other transcripts: non-coding transcript variant (1).
Genome position (GRCh38, 1-based): chr19:50,414,890, G>A. VCF-style: chr19-50414890-G-A. GRCh37 (hg19) VCF-style: chr19-50918147-G-A.
Other names: c.2464G>A, p.Asp822Asn (NM_001256849.1); c.2542G>A, p.Asp848Asn (NM_001308632.1); short protein forms D848N, D822N.
Identifiers: ClinVar variation 408066 (VCV000408066.12), dbSNP rs778972543, ClinGen allele CA9596536.

ClinVar aggregate classification (germline): Conflicting classifications of pathogenicity. Review status: criteria provided, conflicting classifications (1 of 4 stars). 2 submissions from 2 submitters: Uncertain significance (1); Likely benign (1). Last evaluated 2025-12-20.

Conditions:
Hereditary cancer-predisposing syndrome. Also called: Neoplastic Syndromes, Hereditary; Hereditary neoplastic syndrome; Hereditary Cancer Syndrome; Tumor predisposition. Identifiers: Orphanet 140162, MedGen C0027672, MeSH D009386, MONDO:0015356.
POLD1-related polyposis and colorectal cancer syndrome (CRCS10). Also called: Colorectal cancer, susceptibility to, 10; Colorectal cancer 10; COLORECTAL CANCER, SUSCEPTIBILITY TO, ON CHROMOSOME 19q. Identifiers: Orphanet 220460, MedGen C2675481, MONDO:0012953, OMIM 612591.

Allele frequency attached by ClinVar (database versions not stated): ExAC 0.00001; gnomAD exomes 0.00001; TOPMed 0.00001.
gnomAD v4.1: 7 of 1,608,798 alleles (0.00044%); highest among the groups gnomAD compares: Admixed American, 0.0034%; no homozygotes.

Submissions (2):

Labcorp Genetics (formerly Invitae), Labcorp
Classification: Uncertain significance for POLD1-related polyposis and colorectal cancer syndrome. Last evaluated: 2025-12-20. Review status: criteria provided, single submitter. Criteria: Invitae Variant Classification Sherloc (09022015). Collection method: clinical testing. Allele origin: germline.
Comment: This sequence change replaces aspartic acid, which is acidic and polar, with asparagine, which is neutral and polar, at codon 822 of the POLD1 protein (p.Asp822Asn). This variant is present in population databases (rs778972543, gnomAD 0.006%). This variant has not been reported in the literature in individuals affected with POLD1-related conditions. ClinVar contains an entry for this variant (Variation ID: 408066). Invitae Evidence Modeling of protein sequence and biophysical properties (such as structural, functional, and spatial information, amino acid conservation, physicochemical variation, residue mobility, and thermodynamic stability) indicates that this missense variant is not expected to disrupt POLD1 protein function with a negative predictive value of 80%. In summary, the available evidence is currently insufficient to determine the role of this variant in disease. Therefore, it has been classified as a Variant of Uncertain Significance.

Ambry Genetics
Classification: Likely benign for Hereditary cancer-predisposing syndrome. Last evaluated: 2024-12-16. Review status: criteria provided, single submitter. Criteria: Ambry Variant Classification Scheme 2023. Collection method: clinical testing. Allele origin: germline.